The following is an entry in ClinVar:

ClinVar aggregate classification (germline): Uncertain significance (1 of 4 stars; one submission).

Allele frequency attached by ClinVar (database versions not stated): gnomAD 0.00003; ExAC 0.00002; gnomAD exomes 0.00003 and 0.00002; TOPMed 0.00001.
gnomAD v4.1: 50 of 1,614,040 alleles (0.0031%); highest among the groups gnomAD compares: South Asian, 0.0088%; no homozygotes.

Submission:

Labcorp Genetics (formerly Invitae), Labcorp
Classification: Uncertain significance. Last evaluated: 2025-01-06. Review status: criteria provided, single submitter. Criteria: Invitae Variant Classification Sherloc (09022015). Collection method: clinical testing. Allele origin: germline.
Comment: This sequence change replaces arginine, which is basic and polar, with histidine, which is basic and polar, at codon 892 of the MTHFD1 protein (p.Arg892His). This variant is present in population databases (rs758973638, gnomAD 0.006%). This variant has not been reported in the literature in individuals affected with MTHFD1-related conditions. ClinVar contains an entry for this variant (Variation ID: 1525350). Invitae Evidence Modeling of protein sequence and biophysical properties (such as structural, functional, and spatial information, amino acid conservation, physicochemical variation, residue mobility, and thermodynamic stability) indicates that this missense variant is not expected to disrupt MTHFD1 protein function with a negative predictive value of 80%. In summary, the available evidence is currently insufficient to determine the role of this variant in disease. Therefore, it has been classified as a Variant of Uncertain Significance.

NM_005956.4(MTHFD1):c.2675G>A (p.Arg892His)

Genes: MTHFD1 (methylenetetrahydrofolate dehydrogenase, cyclohydrolase and formyltetrahydrofolate synthetase 1; plus strand), ZBTB25 (zinc finger and BTB domain containing 25; minus strand). Cytogenetic location: 14q23.3.
Variant type: single nucleotide variant.
Coding change: c.2675G>A on transcript NM_005956.4 (MANE Select); coding-DNA position 2675, G replaced by A.
Protein change: p.Arg892His; replaces arginine 892 with histidine.
Molecular consequence: missense variant. On other transcripts: intron variant (1).
Genome position (GRCh38, 1-based): chr14:64,454,832, G>A. VCF-style: chr14-64454832-G-A. GRCh37 (hg19) VCF-style: chr14-64921550-G-A.
Other names: c.2675G>A, p.Arg892His (NM_001364837.1); c.174-5194C>T (NM_001304508.1); short protein forms R892H.
Identifiers: ClinVar variation 1525350 (VCV001525350.8), dbSNP rs758973638, ClinGen allele CA7226663.